The following is an entry in ClinVar:

ClinVar aggregate classification (germline): Conflicting classifications of pathogenicity. Review status: criteria provided, conflicting classifications (1 of 4 stars). 4 submissions from 4 submitters: Uncertain significance (1); Likely benign (3). Last evaluated 2026-05-06.

Conditions:
JAGN1-related disorder. Also called: JAGN1-related condition.
Autosomal recessive severe congenital neutropenia due to JAGN1 deficiency. Also called: Severe congenital neutropenia 6, autosomal recessive. Identifiers: Orphanet 423384, MedGen C4014954, MONDO:0014456, OMIM 616022.
Inborn genetic diseases. Identifiers: MedGen C0950123, MeSH D030342.

Allele frequency attached by ClinVar (database versions not stated): gnomAD 0.00001 and 0.00002; TOPMed 0.00010; gnomAD exomes 0.00011 and 0.00025; 1000 Genomes Project 0.00020; ExAC 0.00027; 1000 Genomes Project 30x 0.00031.

Submissions (4):

Women's Health and Genetics/Laboratory Corporation of America, LabCorp
Classification: Likely benign. Last evaluated: 2026-05-06. Review status: criteria provided, single submitter. Criteria: LabCorp Variant Classification Summary - May 2015. Collection method: clinical testing. Allele origin: germline.
Comment: Variant summary: JAGN1 c.52C>A (p.Gln18Lys) results in a conservative amino acid change in the encoded protein sequence. Algorithms developed to predict the effect of missense changes on protein structure and function are either unavailable or do not agree on the potential impact of this missense change. The variant allele was found at a frequency of 0.00025 in 239010 control chromosomes, predominantly at a frequency of 0.0018 within the Latino subpopulation in the gnomAD database. The observed variant frequency within Latino control individuals in the gnomAD database exceeds the estimated maximal expected allele frequency for disease-causing variants in JAGN1. To our knowledge, no occurrence of c.52C>A in individuals affected with JAGN1-related conditions and no experimental evidence demonstrating its impact on protein function have been reported. ClinVar contains an entry for this variant (Variation ID: 1128794). Based on the evidence outlined above, the variant was classified as likely benign.

PreventionGenetics, part of Exact Sciences
Classification: Likely benign for JAGN1-related condition. Last evaluated: 2026-03-18. Review status: criteria provided, single submitter. Criteria: ACMG Guidelines, 2015. Collection method: clinical testing. Allele origin: germline.
Comment: This variant is classified as likely benign based on ACMG/AMP sequence variant interpretation guidelines (Richards et al. 2015 PMID: 25741868, with internal and published modifications).

Labcorp Genetics (formerly Invitae), Labcorp
Classification: Likely benign for Autosomal recessive severe congenital neutropenia due to JAGN1 deficiency. Last evaluated: 2025-12-11. Review status: criteria provided, single submitter. Criteria: Invitae Variant Classification Sherloc (09022015). Collection method: clinical testing. Allele origin: germline.

Ambry Genetics
Classification: Uncertain significance for Inborn genetic diseases. Last evaluated: 2025-01-17. Review status: criteria provided, single submitter. Criteria: Ambry Variant Classification Scheme 2023. Collection method: clinical testing. Allele origin: germline.

NM_032492.4(JAGN1):c.52C>A (p.Gln18Lys)

Gene: JAGN1 (jagunal vesicle mediated transporter 1; plus strand). Cytogenetic location: 3p25.3.
Variant type: single nucleotide variant.
Coding change: c.52C>A on transcript NM_032492.4 (MANE Select); coding-DNA position 52, C replaced by A.
Protein change: p.Gln18Lys; replaces glutamine 18 with lysine.
Molecular consequence: missense variant. On other transcripts: 5 prime UTR variant (1).
Genome position (GRCh38, 1-based): chr3:9,890,774, C>A. VCF-style: chr3-9890774-C-A. GRCh37 (hg19) VCF-style: chr3-9932458-C-A.
Other names: c.-217C>A (NM_001363890.1); c.52C>A (NM_032492.3); short protein forms Q18K.
Identifiers: ClinVar variation 1128794 (VCV001128794.11), dbSNP rs200485958, ClinGen allele CA2245792.